The following is an entry in ClinVar:

ClinVar aggregate classification (germline): Uncertain significance (1 of 4 stars; one submission).

gnomAD v4.1: 1 of 1,614,166 alleles (0.000062%); no homozygotes.

Submission:

Labcorp Genetics (formerly Invitae), Labcorp
Classification: Uncertain significance. Last evaluated: 2025-03-17. Review status: criteria provided, single submitter. Criteria: Invitae Variant Classification Sherloc (09022015). Collection method: clinical testing. Allele origin: germline.
Comment: This sequence change replaces proline, which is neutral and non-polar, with arginine, which is basic and polar, at codon 2637 of the SRCAP protein (p.Pro2637Arg). This variant is not present in population databases (gnomAD no frequency). This variant has not been reported in the literature in individuals affected with SRCAP-related conditions. Invitae Evidence Modeling of protein sequence and biophysical properties (such as structural, functional, and spatial information, amino acid conservation, physicochemical variation, residue mobility, and thermodynamic stability) indicates that this missense variant is not expected to disrupt SRCAP protein function with a negative predictive value of 80%. In summary, the available evidence is currently insufficient to determine the role of this variant in disease. Therefore, it has been classified as a Variant of Uncertain Significance.

NM_006662.3(SRCAP):c.7910C>G (p.Pro2637Arg)

Gene: SRCAP (Snf2 related CREBBP activator protein; plus strand). Cytogenetic location: 16p11.2.
Variant type: single nucleotide variant.
Coding change: c.7910C>G on transcript NM_006662.3 (MANE Select); coding-DNA position 7910, C replaced by G.
Protein change: p.Pro2637Arg; replaces proline 2637 with arginine.
Molecular consequence: missense variant.
Genome position (GRCh38, 1-based): chr16:30,737,950, C>G. VCF-style: chr16-30737950-C-G. GRCh37 (hg19) VCF-style: chr16-30749271-C-G.
Other names: short protein forms P2637R.
Identifiers: ClinVar variation 3675558 (VCV003675558.2).
Genomic context (GRCh38, chr16:30,737,950, plus strand): 5'-CCAATGGTCAAGAGCAGGAGGCACCAGATTCTGCTGAGGGGACCACCCTTACAGTGCTGC[C>G]TGAAGGTGAGGAGTTGCCCCTGTGTGTGAGTGAGAGCAATGGCCTGGAGCTCCCACCCTC-3'
Protein context (NP_006653.2, residues 2627-2647): SAEGTTLTVL[Pro2637Arg]EGEELPLCVS